The following is an entry in ClinVar:

NM_000512.5(GALNS):c.*224C>G

Gene: GALNS (galactosamine (N-acetyl)-6-sulfatase; minus strand). Cytogenetic location: 16q24.3.
Variant type: single nucleotide variant.
Coding change: c.*224C>G on transcript NM_000512.5 (MANE Select); 224 bases downstream of the stop codon, C replaced by G.
Molecular consequence: 3 prime UTR variant.
Genome position (GRCh38, 1-based): chr16:88,814,215, G>C on the plus strand (C>G on the coding strand, the complement: GALNS is on the minus strand). VCF-style: chr16-88814215-G-C. GRCh37 (hg19) VCF-style: chr16-88880623-G-C.
Other names: c.*224C>G (NM_001323543.2, NM_001323544.2).
Identifiers: ClinVar variation 321181 (VCV000321181.8), dbSNP rs111233947, ClinGen allele CA10648348.

ClinVar aggregate classification (germline): Benign/Likely benign. Review status: criteria provided, multiple submitters, no conflicts (2 of 4 stars). 2 submissions from 2 submitters: Benign (1); Likely benign (1). Last evaluated 2019-03-24.

Conditions:
Mucopolysaccharidosis, MPS-IV-A (MPS4A). Also called: Mucopolysaccharidosis type IV A; Mucopolysaccharidosis Type IVA; Morquio syndrome A, mild; MORQUIO SYNDROME A; MPS IVA; mucopolysaccharidosis type 4A. Identifiers: Orphanet 309297, Orphanet 582, MedGen C0086651, MONDO:0009659, OMIM 253000.

Allele frequency attached by ClinVar (database versions not stated): gnomAD 0.01347 and 0.01437; TOPMed 0.01588; 1000 Genomes Project 0.01617; 1000 Genomes Project 30x 0.01640.
gnomAD v4.1: 2,910 of 625,828 alleles (0.46%); highest among the groups gnomAD compares: African/African-American, 4.7%; 56 homozygotes.

Submissions (2):

GeneDx
Classification: Likely benign. Last evaluated: 2019-03-24. Review status: criteria provided, single submitter. Criteria: GeneDx Variant Classification Process June 2021. Collection method: clinical testing. Allele origin: germline. Affected: yes.

Illumina Laboratory Services, Illumina
Classification: Benign for Mucopolysaccharidosis, MPS-IV-A. Last evaluated: 2018-01-13. Review status: criteria provided, single submitter. Criteria: ICSL Variant Classification Criteria 13 December 2019. Collection method: clinical testing. Allele origin: germline.
Comment: This variant was observed in the ICSL laboratory as part of a predisposition screen in an ostensibly healthy population. It had not been previously curated by ICSL or reported in the Human Gene Mutation Database (HGMD: prior to June 1st, 2018), and was therefore a candidate for classification through an automated scoring system. Utilizing variant allele frequency, disease prevalence and penetrance estimates, and inheritance mode, an automated score was calculated to assess if this variant is too frequent to cause the disease. Based on the score and internal cut-off values, a variant classified as benign is not then subjected to further curation. The score for this variant resulted in a classification of benign for this disease.